The following is an entry in ClinVar:

ClinVar aggregate classification (germline): Uncertain significance (1 of 4 stars; one submission).

Conditions:
Cardiovascular phenotype. Identifiers: MedGen CN230736.

Submission:

Ambry Genetics
Classification: Uncertain significance for Cardiovascular phenotype. Last evaluated: 2023-09-22. Review status: criteria provided, single submitter. Criteria: Ambry Variant Classification Scheme 2023. Collection method: clinical testing. Allele origin: germline.
Comment: The p.T2654P variant (also known as c.7960A>C), located in coding exon 38 of the ANK2 gene, results from an A to C substitution at nucleotide position 7960. The threonine at codon 2654 is replaced by proline, an amino acid with highly similar properties. This amino acid position is conserved. In addition, this alteration is predicted to be tolerated by in silico analysis. Since supporting evidence is limited at this time, the clinical significance of this alteration remains unclear.

NM_001148.6(ANK2):c.7960A>C (p.Thr2654Pro)

Genes: ANK2 (ankyrin 2; plus strand), LOC126807137 (CDK7 strongly-dependent group 2 enhancer GRCh37_chr4:114276560-114277759; plus strand). Cytogenetic location: 4q26.
Variant type: single nucleotide variant.
Coding change: c.7960A>C on transcript NM_001148.6 (MANE Select); coding-DNA position 7960, A replaced by C.
Protein change: p.Thr2654Pro; replaces threonine 2654 with proline.
Molecular consequence: missense variant. On other transcripts: intron variant (68).
Genome position (GRCh38, 1-based): chr4:113,356,578, A>C. VCF-style: chr4-113356578-A-C. GRCh37 (hg19) VCF-style: chr4-114277734-A-C.
Other names: c.7726A>C, p.Thr2576Pro (NM_001386142.1); c.4360A>C, p.Thr1454Pro (NM_001386166.1); c.8101A>C, p.Thr2701Pro (NM_001386174.1); c.8077A>C, p.Thr2693Pro (NM_001386175.1); c.4412-4245A>C (NM_001386186.2, NM_001386148.2); c.4214-4245A>C (NM_001354269.3); c.4292-4245A>C (NM_001386187.2); c.4253-4245A>C (NM_001386147.1); and 35 more; short protein forms T1454P, T2576P, T2654P, T2693P, T2701P.
Identifiers: ClinVar variation 3221006 (VCV003221006.1), dbSNP rs2505796385, ClinGen allele CA357932741.
Genomic context (GRCh38, chr4:113,356,578, plus strand): 5'-GTGGATGAACCAAAACATACAGGCAGTGGGGAGGATGAAAGTGGTGTCCCTGTGTTAGTA[A>C]CTTCGGAGAGCAGGAAGGTGTCTTCCTCCTCAGAAAGTGAACCTGAGTTGGCACAGCTTA-3'
Protein context (NP_001139.3, residues 2644-2664): EDESGVPVLV[Thr2654Pro]SESRKVSSSS